The following is an entry in ClinVar:

NM_003664.5(AP3B1):c.565A>G (p.Ile189Val)

Gene: AP3B1 (adaptor related protein complex 3 subunit beta 1; minus strand). Cytogenetic location: 5q14.1.
Variant type: single nucleotide variant.
Coding change: c.565A>G on transcript NM_003664.5 (MANE Select); coding-DNA position 565, A replaced by G.
Protein change: p.Ile189Val; replaces isoleucine 189 with valine.
Molecular consequence: missense variant.
Genome position (GRCh38, 1-based): chr5:78,225,580, T>C on the plus strand (A>G on the coding strand, the complement: AP3B1 is on the minus strand). VCF-style: chr5-78225580-T-C. GRCh37 (hg19) VCF-style: chr5-77521404-T-C.
Other names: c.418A>G, p.Ile140Val (NM_001271769.2); short protein forms I189V, I140V.
Identifiers: ClinVar variation 1357874 (VCV001357874.5), dbSNP rs1393665689, ClinGen allele CA360191212.

ClinVar aggregate classification (germline): Uncertain significance (1 of 4 stars; one submission).

Conditions:
Hermansky-Pudlak syndrome 2 (HPS2). Also called: Platelet defects and oculocutaneous albinism. Identifiers: Orphanet 183678, Orphanet 79430, MedGen C1842362, MONDO:0011997, OMIM 608233.

Allele frequency attached by ClinVar (database versions not stated): gnomAD exomes below 0.00001; TOPMed below 0.00001; gnomAD 0.00001.
gnomAD v4.1: 6 of 1,584,374 alleles (0.00038%); highest among the groups gnomAD compares: Non-Finnish European, 0.00043%; no homozygotes.

Submission:

Labcorp Genetics (formerly Invitae), Labcorp
Classification: Uncertain significance for Hermansky-Pudlak syndrome 2. Last evaluated: 2024-04-03. Review status: criteria provided, single submitter. Criteria: Invitae Variant Classification Sherloc (09022015). Collection method: clinical testing. Allele origin: germline.
Comment: This sequence change replaces isoleucine, which is neutral and non-polar, with valine, which is neutral and non-polar, at codon 189 of the AP3B1 protein (p.Ile189Val). This variant is present in population databases (no rsID available, gnomAD 0.0009%). This variant has not been reported in the literature in individuals affected with AP3B1-related conditions. ClinVar contains an entry for this variant (Variation ID: 1357874). An algorithm developed to predict the effect of missense changes on protein structure and function (PolyPhen-2) suggests that this variant is likely to be tolerated. In summary, the available evidence is currently insufficient to determine the role of this variant in disease. Therefore, it has been classified as a Variant of Uncertain Significance.